The following is an entry in ClinVar:

ClinVar aggregate classification (germline): Uncertain significance (1 of 4 stars; one submission).

Submission:

Ambry Genetics
Classification: Uncertain significance. Last evaluated: 2022-05-04. Review status: criteria provided, single submitter. Criteria: Ambry Variant Classification Scheme 2023. Collection method: clinical testing. Allele origin: germline.
Comment: The p.N1088S variant (also known as c.3263A>G), located in coding exon 18 of the PALLD gene, results from an A to G substitution at nucleotide position 3263. The asparagine at codon 1088 is replaced by serine, an amino acid with highly similar properties. This amino acid position is conserved. In addition, the in silico prediction for this alteration is inconclusive. Since supporting evidence is limited at this time, the clinical significance of this alteration remains unclear.

NM_001166108.2(PALLD):c.3314A>G (p.Asn1105Ser)

Genes: PALLD (palladin, cytoskeletal associated protein; plus strand), CBR4 (carbonyl reductase 4; minus strand). Cytogenetic location: 4q32.3.
Variant type: single nucleotide variant.
Coding change: c.3314A>G on transcript NM_001166108.2 (MANE Select); coding-DNA position 3314, A replaced by G.
Protein change: p.Asn1105Ser; replaces asparagine 1105 with serine.
Molecular consequence: missense variant.
Genome position (GRCh38, 1-based): chr4:168,925,034, A>G. VCF-style: chr4-168925034-A-G. GRCh37 (hg19) VCF-style: chr4-169846185-A-G.
Other names: c.2117A>G, p.Asn706Ser (NM_001166109.2); c.1802A>G, p.Asn601Ser (NM_001166110.2); c.1142A>G, p.Asn381Ser (NM_001367567.1, NM_001367569.1); c.1193A>G, p.Asn398Ser (NM_001367568.1, NM_001367570.1); c.3263A>G, p.Asn1088Ser (NM_016081.4); short protein forms N1105S, N1088S, N381S, N398S, N601S, N706S.
Identifiers: ClinVar variation 1729550 (VCV001729550.2), dbSNP rs2534268798, ClinGen allele CA358714105.